The following is an entry in ClinVar:

ClinVar aggregate classification (germline): Uncertain significance (1 of 4 stars; one submission).

gnomAD v4.1: 1 of 1,614,054 alleles (0.000062%); highest among the groups gnomAD compares: East Asian, 0.0022%; no homozygotes.

Submission:

Labcorp Genetics (formerly Invitae), Labcorp
Classification: Uncertain significance. Last evaluated: 2022-05-28. Review status: criteria provided, single submitter. Criteria: Invitae Variant Classification Sherloc (09022015). Collection method: clinical testing. Allele origin: germline.
Comment: In summary, the available evidence is currently insufficient to determine the role of this variant in disease. Therefore, it has been classified as a Variant of Uncertain Significance. Algorithms developed to predict the effect of missense changes on protein structure and function (SIFT, PolyPhen-2, Align-GVGD) all suggest that this variant is likely to be tolerated. This variant has not been reported in the literature in individuals affected with SBF1-related conditions. This variant is not present in population databases (gnomAD no frequency). This sequence change replaces glycine, which is neutral and non-polar, with aspartic acid, which is acidic and polar, at codon 1572 of the SBF1 protein (p.Gly1572Asp).

NM_002972.4(SBF1):c.4715G>A (p.Gly1572Asp)

Gene: SBF1 (SET binding factor 1; minus strand). Cytogenetic location: 22q13.33.
Variant type: single nucleotide variant.
Coding change: c.4715G>A on transcript NM_002972.4 (MANE Select); coding-DNA position 4715, G replaced by A.
Protein change: p.Gly1572Asp; replaces glycine 1572 with aspartic acid.
Molecular consequence: missense variant.
Genome position (GRCh38, 1-based): chr22:50,454,911, C>T on the plus strand (G>A on the coding strand, the complement: SBF1 is on the minus strand). VCF-style: chr22-50454911-C-T. GRCh37 (hg19) VCF-style: chr22-50893340-C-T.
Other names: c.4640G>A, p.Gly1547Asp (NM_001365819.1); c.4718G>A, p.Gly1573Asp (NM_001410794.1); c.4637G>A, p.Gly1546Asp (NM_001410795.1); c.4715G>A, p.Gly1572Asp (NM_197971.1); short protein forms G1547D, G1572D, G1573D, G1546D.
Identifiers: ClinVar variation 1952597 (VCV001952597.5), dbSNP rs2521828004, ClinGen allele CA412193507.